The following is an entry in ClinVar:

NM_001927.4(DES):c.832C>T (p.Arg278Trp)

Gene: DES (desmin; plus strand). Cytogenetic location: 2q35.
Variant type: single nucleotide variant.
Coding change: c.832C>T on transcript NM_001927.4 (MANE Select); coding-DNA position 832, C replaced by T.
Protein change: p.Arg278Trp; replaces arginine 278 with tryptophan.
Molecular consequence: missense variant.
Genome position (GRCh38, 1-based): chr2:219,420,591, C>T. VCF-style: chr2-219420591-C-T. GRCh37 (hg19) VCF-style: chr2-220285313-C-T.
Other names: p.R278W:CGG>TGG; c.832C>T (LRG_380t1); short protein forms R278W.
Identifiers: ClinVar variation 201703 (VCV000201703.18), dbSNP rs794728985, ClinGen allele CA308263.

ClinVar aggregate classification (germline): Conflicting classifications of pathogenicity. Review status: criteria provided, conflicting classifications (1 of 4 stars). 4 submissions from 4 submitters: Pathogenic (1); Uncertain significance (3). Last evaluated 2026-07-15.

Conditions:
Cardiovascular phenotype. Identifiers: MedGen CN230736.
Desmin-related myofibrillar myopathy (MFM1). Also called: Desminopathy; Myofibrillar myopathy 1; MYOFIBRILLAR MYOPATHY WITH ARRHYTHMOGENIC RIGHT VENTRICULAR CARDIOMYOPATHY; DESMIN-RELATED MYOPATHY WITH ARRHYTHMOGENIC RIGHT VENTRICULAR CARDIOMYOPATHY; Desmin related myopathy (former name); Desmin storage myopathy (former name). Identifiers: Orphanet 363543, Orphanet 98909, MedGen C1832370, MONDO:0011076, OMIM 601419.

Allele frequency attached by ClinVar (database versions not stated): gnomAD exomes below 0.00001.

Submissions (4):

Ambry Genetics
Classification: Uncertain significance for Cardiovascular phenotype. Last evaluated: 2026-07-15. Review status: criteria provided, single submitter. Criteria: Ambry Variant Classification Scheme 2023. Collection method: clinical testing. Allele origin: germline.
Comment: The p.R278W variant (also known as c.832C>T), located in coding exon 4 of the DES gene, results from a C to T substitution at nucleotide position 832. The arginine at codon 278 is replaced by tryptophan, an amino acid with dissimilar properties. This variant was identified in one or more individuals with features consistent with DES-related cardiomyopathies (Walsh R et al. Genet Med, 2017 Feb;19:192-203; Lenarduzzi S et al. Mol Genet Genomic Med, 2023 May;11:e2143; Boen HM et al. Cardiooncology, 2024 Apr;10:26; Murphy J et al. Ir J Med Sci, 2024 Aug;193:1775-1785; external communication; Ambry internal data) and segregated with disease in at least one family (external communication). This amino acid position is highly conserved in available vertebrate species. In addition, this alteration is predicted to be deleterious by in silico analysis. Based on the available evidence, the clinical significance of this variant remains unclear.

Labcorp Genetics (formerly Invitae), Labcorp
Classification: Pathogenic for Desmin-related myofibrillar myopathy. Last evaluated: 2025-10-28. Review status: criteria provided, single submitter. Criteria: Invitae Variant Classification Sherloc (09022015). Collection method: clinical testing. Allele origin: germline.
Comment: This sequence change replaces arginine, which is basic and polar, with tryptophan, which is neutral and slightly polar, at codon 278 of the DES protein (p.Arg278Trp). This variant is present in population databases (rs794728985, gnomAD 0.003%). This missense change has been observed in individuals with clinical features of autosomal dominant arrythmogenic cardiomyopathy (PMID: 27532257, 31983221, 36788754, 37652022; internal data). It has also been observed to segregate with disease in related individuals. ClinVar contains an entry for this variant (Variation ID: 201703). Invitae Evidence Modeling of protein sequence and biophysical properties (such as structural, functional, and spatial information, amino acid conservation, physicochemical variation, residue mobility, and thermodynamic stability) indicates that this missense variant is expected to disrupt DES protein function with a positive predictive value of 95%. For these reasons, this variant has been classified as Pathogenic.

GeneDx
Classification: Uncertain significance. Last evaluated: 2023-10-06. Review status: criteria provided, single submitter. Criteria: GeneDx Variant Classification Process June 2021. Collection method: clinical testing. Allele origin: germline. Affected: yes.
Comment: Has been reported in individuals with HCM and DCM (PMID: 27532257, 30531895); Not observed at significant frequency in large population cohorts (gnomAD); In silico analysis supports that this missense variant has a deleterious effect on protein structure/function; This variant is associated with the following publications: (PMID: 31983221, 30531895, 27532257)

Blueprint Genetics
Classification: Uncertain significance. Last evaluated: 2021-02-24. Review status: criteria provided, single submitter. Criteria: ACMG Guidelines, 2015. Collection method: clinical testing. Allele origin: germline.

Literature cited by the submitters: PubMed 27532257 (cited by Ambry Genetics and Labcorp Genetics (formerly Invitae), Labcorp); PubMed 36788754 (cited by Ambry Genetics and Labcorp Genetics (formerly Invitae), Labcorp); PubMed 38489124 (cited by Ambry Genetics); PubMed 38689299 (cited by Ambry Genetics); PubMed 31983221 (cited by Labcorp Genetics (formerly Invitae), Labcorp); PubMed 37652022 (cited by Labcorp Genetics (formerly Invitae), Labcorp).